The following is an entry in ClinVar:

ClinVar aggregate classification (germline): Likely pathogenic (1 of 4 stars; one submission).

Conditions:
Dilated cardiomyopathy 1G (CMD1G). Identifiers: Orphanet 154, MedGen C1858763, MONDO:0011400, OMIM 604145.
Autosomal recessive limb-girdle muscular dystrophy type 2J (LGMDR10). Also called: Limb-girdle muscular dystrophy, type 2J; MUSCULAR DYSTROPHY, LIMB-GIRDLE, AUTOSOMAL RECESSIVE 10. Identifiers: Orphanet 140922, MedGen C1837342, MONDO:0012127, OMIM 608807.

Submission:

Labcorp Genetics (formerly Invitae), Labcorp
Classification: Likely pathogenic for Dilated cardiomyopathy 1G; Autosomal recessive limb-girdle muscular dystrophy type 2J. Last evaluated: 2020-04-14. Review status: criteria provided, single submitter. Criteria: Invitae Variant Classification Sherloc (09022015). Collection method: clinical testing. Allele origin: germline.
Comment: This variant has not been reported in the literature in individuals with TTN-related conditions. This variant is not present in population databases (ExAC no frequency). This sequence change results in a premature translational stop signal in the TTN gene (p.Glu29779*). While this is not anticipated to result in nonsense mediated decay, it is expected to create a truncated TTN protein. This variant is located in the A band of TTN (PMID: 25589632). Truncating variants in this region are significantly overrepresented in patients affected with dilated cardiomyopathy (PMID: 25589632). Truncating variants in this region have also been reported in individuals affected with autosomal recessive centronuclear myopathy (PMID: 23975875). In summary, the currently available evidence indicates that the variant is pathogenic, but additional data are needed to prove that conclusively. Therefore, this variant has been classified as Likely Pathogenic.

Literature cited by the submitters: PubMed 25589632; PubMed 23975875.

NM_001267550.2(TTN):c.89335G>T (p.Glu29779Ter)

Genes: TTN-AS1 (TTN antisense RNA 1; plus strand), TTN (titin; minus strand). Cytogenetic location: 2q31.2.
Variant type: single nucleotide variant.
Coding change: c.89335G>T on transcript NM_001267550.2 (MANE Select); coding-DNA position 89335, G replaced by T.
Protein change: p.Glu29779Ter; replaces glutamic acid 29779 with a stop codon.
Molecular consequence: nonsense.
Genome position (GRCh38, 1-based): chr2:178,553,670, C>A on the plus strand (G>T on the coding strand, the complement: TTN is on the minus strand). VCF-style: chr2-178553670-C-A. GRCh37 (hg19) VCF-style: chr2-179418397-C-A.
Other names: c.84412G>T, p.Glu28138Ter (NM_001256850.1); c.62140G>T, p.Glu20714Ter (NM_003319.4); c.81631G>T, p.Glu27211Ter (NM_133378.4); c.62515G>T, p.Glu20839Ter (NM_133432.3); c.62716G>T, p.Glu20906Ter (NM_133437.4); short protein forms E20714*, E20839*, E20906*, E27211*, E28138*, E29779*.
Identifiers: ClinVar variation 1067192 (VCV001067192.9), dbSNP rs2154152175, ClinGen allele CA349519194.